The following is an entry in ClinVar:

NM_002230.4(JUP):c.661G>A (p.Ala221Thr)

Gene: JUP (junction plakoglobin; minus strand). Cytogenetic location: 17q21.2.
Variant type: single nucleotide variant.
Coding change: c.661G>A on transcript NM_002230.4 (MANE Select); coding-DNA position 661, G replaced by A.
Protein change: p.Ala221Thr; replaces alanine 221 with threonine.
Molecular consequence: missense variant.
Genome position (GRCh38, 1-based): chr17:41,769,015, C>T on the plus strand (G>A on the coding strand, the complement: JUP is on the minus strand). VCF-style: chr17-41769015-C-T. GRCh37 (hg19) VCF-style: chr17-39925267-C-T.
Other names: c.661G>A, p.Ala221Thr (NM_001352773.2, NM_001352774.2, NM_001352775.2 and 3 more transcripts); short protein forms A221T.
Identifiers: ClinVar variation 1313144 (VCV001313144.10), dbSNP rs782076415, ClinGen allele CA8565419.

ClinVar aggregate classification (germline): Conflicting classifications of pathogenicity. Review status: criteria provided, conflicting classifications (1 of 4 stars). 5 submissions from 5 submitters: Uncertain significance (4); Likely benign (1). Last evaluated 2025-01-17.

Conditions:
Cardiovascular phenotype. Identifiers: MedGen CN230736.
Naxos disease (NXD). Also called: KERATOSIS PALMOPLANTARIS WITH ARRHYTHMOGENIC CARDIOMYOPATHY; MAL DE NAXOS; PALMOPLANTAR KERATODERMA WITH ARRHYTHMOGENIC RIGHT VENTRICULAR CARDIOMYOPATHY AND WOOLLY HAIR; CARDIOMYOPATHY, ARRHYTHMOGENIC RIGHT VENTRICULAR, WITH SKIN, HAIR, AND NAIL ABNORMALITIES; WOOLLY HAIR, PALMOPLANTAR KERATODERMA, AND CARDIAC ABNORMALITIES. Identifiers: Orphanet 34217, MedGen C1832600, MONDO:0011017, OMIM 601214.
Arrhythmogenic right ventricular dysplasia 12. Also called: ARRHYTHMOGENIC RIGHT VENTRICULAR DYSPLASIA, FAMILIAL, 12. Identifiers: MedGen C1969081, MONDO:0012684, OMIM 611528.
Cardiomyopathy (CMYO). Also called: Cardiomyopathies. Identifiers: Orphanet 167848, MedGen C0878544, MONDO:0004994, HP:0001638. Inheritance: Various modes of inheritance.

Allele frequency attached by ClinVar (database versions not stated): gnomAD 0.00001; TOPMed 0.00001; gnomAD exomes 0.00002; ExAC 0.00007.

Submissions (5):

Labcorp Genetics (formerly Invitae), Labcorp
Classification: Uncertain significance for Arrhythmogenic right ventricular dysplasia 12; Naxos disease. Last evaluated: 2025-01-17. Review status: criteria provided, single submitter. Criteria: Invitae Variant Classification Sherloc (09022015). Collection method: clinical testing. Allele origin: germline.
Comment: This sequence change replaces alanine, which is neutral and non-polar, with threonine, which is neutral and polar, at codon 221 of the JUP protein (p.Ala221Thr). This variant is present in population databases (rs782076415, gnomAD 0.005%). This variant has not been reported in the literature in individuals affected with JUP-related conditions. ClinVar contains an entry for this variant (Variation ID: 1313144). An algorithm developed to predict the effect of missense changes on protein structure and function (PolyPhen-2) suggests that this variant¬¨‚Ä†is likely to be tolerated. In summary, the available evidence is currently insufficient to determine the role of this variant in disease. Therefore, it has been classified as a Variant of Uncertain Significance.

CHEO Genetics Diagnostic Laboratory, Children's Hospital of Eastern Ontario
Classification: Uncertain significance for Cardiomyopathy. Last evaluated: 2021-10-21. Review status: criteria provided, single submitter. Criteria: ACMG Guidelines, 2015. Collection method: clinical testing. Allele origin: germline.

Fulgent Genetics
Classification: Uncertain significance for Naxos disease; Arrhythmogenic right ventricular dysplasia 12. Last evaluated: 2021-09-10. Review status: criteria provided, single submitter. Criteria: ACMG Guidelines, 2015. Collection method: clinical testing. Allele origin: unknown.

Ambry Genetics
Classification: Likely benign for Cardiovascular phenotype. Last evaluated: 2021-08-19. Review status: criteria provided, single submitter. Criteria: Ambry Variant Classification Scheme 2023. Collection method: clinical testing. Allele origin: germline.

GeneDx
Classification: Uncertain significance. Last evaluated: 2020-07-31. Review status: criteria provided, single submitter. Criteria: GeneDx Variant Classification Process June 2021. Collection method: clinical testing. Allele origin: germline. Affected: yes.
Comment: Has not been previously published as pathogenic or benign to our knowledge; In silico analysis supports that this missense variant has a deleterious effect on protein structure/function